The following is an entry in ClinVar:

ClinVar aggregate classification (germline): Pathogenic (1 of 4 stars; one submission).

Conditions:
Cutis laxa, autosomal dominant 3 (ADCL3). Identifiers: Orphanet 90348, MedGen C4225268, MONDO:0014706, OMIM 616603.
Autosomal dominant spastic paraplegia type 9. Identifiers: MedGen C1832669, MONDO:0015091.
de Barsy syndrome. Also called: Cutis laxa-corneal clouding-oligophrenia syndrome. Identifiers: Orphanet 2962, MedGen C0268354, MONDO:0017569.

Submission:

Labcorp Genetics (formerly Invitae), Labcorp
Classification: Pathogenic for Autosomal dominant spastic paraplegia type 9; de Barsy syndrome; Cutis laxa, autosomal dominant 3. Last evaluated: 2024-12-24. Review status: criteria provided, single submitter. Criteria: Invitae Variant Classification Sherloc (09022015). Collection method: clinical testing. Allele origin: germline.
Comment: This sequence change creates a premature translational stop signal (p.Ala229Serfs*2) in the ALDH18A1 gene. It is expected to result in an absent or disrupted protein product. Loss-of-function variants in ALDH18A1 are known to be pathogenic (PMID: 21739576, 24913064, 28567303, 28604674, 29915212). This variant is not present in population databases (gnomAD no frequency). This variant has not been reported in the literature in individuals affected with ALDH18A1-related conditions. For these reasons, this variant has been classified as Pathogenic.

Literature cited by the submitters: PubMed 21739576; PubMed 24913064; PubMed 28567303; PubMed 28604674; PubMed 29915212.

NM_002860.4(ALDH18A1):c.684dup (p.Ala229fs)

Gene: ALDH18A1 (aldehyde dehydrogenase 18 family member A1; minus strand). Cytogenetic location: 10q24.1.
Variant type: Duplication.
Coding change: c.684dup on transcript NM_002860.4 (MANE Select); coding-DNA position 684, one base duplicated (A; older notation c.684dupA).
Protein change: p.Ala229fs; shifts the reading frame from alanine 229.
Molecular consequence: frameshift variant.
Genome position (GRCh38, 1-based): chr10:95,633,524, T duplicated on the plus strand (A on the coding strand, the reverse complement: ALDH18A1 is on the minus strand). VCF-style (leftmost placement, unchanged base first): chr10-95633523-C-CT. GRCh37 (hg19) VCF-style: chr10-97393280-C-CT.
Other names: c.684dup, p.Ala229fs (NM_001017423.2, NM_001323413.2, NM_001323414.2 and 1 more transcripts); c.351dup, p.Ala118fs (NM_001323412.2, NM_001323416.2, NM_001323418.2); c.579dup, p.Ala194fs (NM_001323417.2); c.48dup, p.Ala17fs (NM_001323419.2); short protein forms A118fs, A17fs, A194fs, A229fs.
Identifiers: ClinVar variation 3760154 (VCV003760154.2).